The following is an entry in ClinVar:

NM_004415.4(DSP):c.7343A>G (p.Glu2448Gly)

Gene: DSP (desmoplakin; plus strand). Cytogenetic location: 6p24.3.
Variant type: single nucleotide variant.
Coding change: c.7343A>G on transcript NM_004415.4 (MANE Select); coding-DNA position 7343, A replaced by G.
Protein change: p.Glu2448Gly; replaces glutamic acid 2448 with glycine.
Molecular consequence: missense variant.
Genome position (GRCh38, 1-based): chr6:7,584,605, A>G. VCF-style: chr6-7584605-A-G. GRCh37 (hg19) VCF-style: chr6-7584838-A-G.
Other names: c.5546A>G, p.Glu1849Gly (NM_001008844.3); c.6014A>G, p.Glu2005Gly (NM_001319034.2); short protein forms E1849G, E2005G, E2448G.
Identifiers: ClinVar variation 4015108 (VCV004015108.1).

ClinVar aggregate classification (germline): Uncertain significance (1 of 4 stars; one submission).

Conditions:
Cardiovascular phenotype. Identifiers: MedGen CN230736.

gnomAD v4.1: 2 of 1,614,056 alleles (0.00012%); highest among the groups gnomAD compares: Admixed American, 0.0033%; no homozygotes.

Submission:

Ambry Genetics
Classification: Uncertain significance for Cardiovascular phenotype. Last evaluated: 2025-05-24. Review status: criteria provided, single submitter. Criteria: Ambry Variant Classification Scheme 2023. Collection method: clinical testing. Allele origin: germline.
Comment: The p.E2448G variant (also known as c.7343A>G), located in coding exon 24 of the DSP gene, results from an A to G substitution at nucleotide position 7343. The glutamic acid at codon 2448 is replaced by glycine, an amino acid with similar properties. This amino acid position is conserved. In addition, the in silico prediction for this alteration is inconclusive. Based on the available evidence, the clinical significance of this variant remains unclear.